The following is an entry in ClinVar:

ClinVar aggregate classification (germline): Pathogenic/Likely pathogenic. Review status: criteria provided, multiple submitters, no conflicts (2 of 4 stars). 2 submissions from 2 submitters: Pathogenic (1); Likely pathogenic (1). Last evaluated 2024-09-19.

Conditions:
Cohen syndrome (COH1). Also called: PEPPER SYNDROME; Cutis verticis gyrata, retinitis pigmentosa, and sensorineural deafness. Identifiers: Orphanet 193, MedGen C0265223, MONDO:0008999, OMIM 216550.

Submissions (2):

Natera, Inc.
Classification: Likely pathogenic for Cohen syndrome. Last evaluated: 2024-09-19. Review status: criteria provided, single submitter. Criteria: Natera Variant Classification Schema (03/2026). Collection method: clinical testing. Allele origin: germline.
Comment: The c.11851C>T variant in VPS13B is a nonsense variant predicted to introduce a stop codon at amino acid 3951. This variant is expected to result in nonsense mediated decay, truncation, or a dysfunctional protein product. This variant is rare in the general population with a frequency below the threshold expected for the associated phenotype(s). Given the available evidence, this variant is classified as Likely Pathogenic.

Labcorp Genetics (formerly Invitae), Labcorp
Classification: Pathogenic for Cohen syndrome. Last evaluated: 2024-05-04. Review status: criteria provided, single submitter. Criteria: Invitae Variant Classification Sherloc (09022015). Collection method: clinical testing. Allele origin: germline.
Comment: This sequence change creates a premature translational stop signal (p.Gln3951*) in the VPS13B gene. While this is not anticipated to result in nonsense mediated decay, it is expected to disrupt the last 72 amino acid(s) of the VPS13B protein. This variant is not present in population databases (gnomAD no frequency). This variant has not been reported in the literature in individuals affected with VPS13B-related conditions. Algorithms developed to predict the effect of sequence changes on RNA splicing suggest that this variant may disrupt the consensus splice site. This variant disrupts a region of the VPS13B protein in which other variant(s) (p.Lys3991Leufs*23) have been determined to be pathogenic (Invitae). This suggests that this is a clinically significant region of the protein, and that variants that disrupt it are likely to be disease-causing. For these reasons, this variant has been classified as Pathogenic.

NM_152564.5(VPS13B):c.11776C>T (p.Gln3926Ter)

Gene: VPS13B (vacuolar protein sorting 13 homolog B; plus strand). Cytogenetic location: 8q22.2.
Variant type: single nucleotide variant.
Coding change: c.11776C>T on transcript NM_152564.5 (MANE Select); coding-DNA position 11776, C replaced by T.
Protein change: p.Gln3926Ter; replaces glutamine 3926 with a stop codon.
Molecular consequence: nonsense.
Genome position (GRCh38, 1-based): chr8:99,875,448, C>T. VCF-style: chr8-99875448-C-T. GRCh37 (hg19) VCF-style: chr8-100887676-C-T.
Other names: c.11851C>T, p.Gln3951Ter (NM_017890.5); short protein forms Q3951*, Q3926*.
Identifiers: ClinVar variation 2886905 (VCV002886905.4), dbSNP rs2492411190, ClinGen allele CA371795524.